The following is an entry in ClinVar:

NM_000094.4(COL7A1):c.6987del (p.Gly2330fs)

Gene: COL7A1 (collagen type VII alpha 1 chain; minus strand). Cytogenetic location: 3p21.31.
Variant type: Deletion.
Coding change: c.6987del on transcript NM_000094.4 (MANE Select); coding-DNA position 6987, one base deleted (A; older notation c.6987delA).
Protein change: p.Gly2330fs; shifts the reading frame from glycine 2330.
Molecular consequence: frameshift variant.
Genome position (GRCh38, 1-based): chr3:48,572,163, T deleted on the plus strand (A on the coding strand, the reverse complement: COL7A1 is on the minus strand); the first of 3 consecutive T bases (chr3:48,572,163-48,572,165); deleting any one gives the same sequence. VCF-style (leftmost placement, unchanged base first): chr3-48572162-CT-C. GRCh37 (hg19) VCF-style: chr3-48609595-CT-C.
Other names: short protein forms G2330fs.
Identifiers: ClinVar variation 5014107 (VCV005014107.1).

ClinVar aggregate classification (germline): Pathogenic (1 of 4 stars; one submission).

Conditions:
Recessive dystrophic epidermolysis bullosa (RDEB). Also called: DYSTROPHIC EPIDERMOLYSIS BULLOSA, AUTOSOMAL RECESSIVE; EPIDERMOLYSIS BULLOSA DYSTROPHICA, HALLOPEAU-SIEMENS TYPE; Hallopeau-Siemens Disease; severe generalized recessive dystrophic epidermolysis bullosa; EPIDERMOLYSIS BULLOSA DYSTROPHICA, GENERALIZED SEVERE, AUTOSOMAL RECESSIVE; Epidermolysis Bullosa Distrophica Autosomal Recessive (RDEB). Identifiers: Orphanet 79408, Orphanet 79409, MedGen C0079474, MONDO:0009179, OMIM 226600.

Submission:

Myriad Genetics, Inc.
Classification: Pathogenic for Recessive dystrophic epidermolysis bullosa. Last evaluated: 2025-02-18. Review status: criteria provided, single submitter. Criteria: Myriad Autosomal Dominant, Autosomal Recessive and X-Linked Classification Criteria (2023). Collection method: clinical testing. Allele origin: unknown.
Comment: NM_000094.3(COL7A1):c.6987delA(G2330Vfs*58) is expected to be pathogenic in the context of dystrophic epidermolysis bullosa. This variant is predicted to lead to an abnormal or absent protein product due to the creation of a premature termination codon in COL7A1, a gene where loss-of-function variants are known to be pathogenic. Please note: this variant was assessed in the context of healthy population screening.